The following is an entry in ClinVar:

ClinVar aggregate classification (germline): Uncertain significance. Review status: criteria provided, multiple submitters, no conflicts (2 of 4 stars). 2 submissions from 2 submitters: Uncertain significance (2). Last evaluated 2025-12-24.

Conditions:
Ehlers-Danlos syndrome, classic type, 1 (EDSCL1). Also called: Ehlers-Danlos syndrome, type 1; Ehlers-Danlos Syndrome, Classic Type, COL5A1-Related; EDS I; EHLERS-DANLOS SYNDROME, GRAVIS TYPE; EHLERS-DANLOS SYNDROME, SEVERE CLASSIC TYPE. Identifiers: MedGen C0268335, MONDO:0019567, OMIM 130000.

Allele frequency attached by ClinVar (database versions not stated): gnomAD exomes 0.00001.

Submissions (2):

Labcorp Genetics (formerly Invitae), Labcorp
Classification: Uncertain significance for Ehlers-Danlos syndrome, classic type, 1. Last evaluated: 2025-12-24. Review status: criteria provided, single submitter. Criteria: Invitae Variant Classification Sherloc (09022015). Collection method: clinical testing. Allele origin: germline.
Comment: This sequence change replaces methionine, which is neutral and non-polar, with valine, which is neutral and non-polar, at codon 198 of the COL5A1 protein (p.Met198Val). This variant is not present in population databases (gnomAD no frequency). This variant has not been reported in the literature in individuals affected with COL5A1-related conditions. ClinVar contains an entry for this variant (Variation ID: 863379). Invitae Evidence Modeling of protein sequence and biophysical properties (such as structural, functional, and spatial information, amino acid conservation, physicochemical variation, residue mobility, and thermodynamic stability) indicates that this missense variant is not expected to disrupt COL5A1 protein function with a negative predictive value of 95%. In summary, the available evidence is currently insufficient to determine the role of this variant in disease. Therefore, it has been classified as a Variant of Uncertain Significance.

GeneDx
Classification: Uncertain significance. Last evaluated: 2019-08-20. Review status: criteria provided, single submitter. Criteria: GeneDx Variant Classification Process June 2021. Collection method: clinical testing. Allele origin: germline. Affected: yes.
Comment: Has not been previously published as pathogenic or benign to our knowledge; Not observed in large population cohorts (Lek et al., 2016); In silico analysis, which includes protein predictors and evolutionary conservation, supports that this variant does not alter protein structure/function; Not located in the triple helical region, where the majority of pathogenic missense variants occur (Symoens et al., 2012; Stenson et al., 2014)

NM_000093.5(COL5A1):c.592A>G (p.Met198Val)

Gene: COL5A1 (collagen type V alpha 1 chain; plus strand). Cytogenetic location: 9q34.3.
Variant type: single nucleotide variant.
Coding change: c.592A>G on transcript NM_000093.5 (MANE Select); coding-DNA position 592, A replaced by G.
Protein change: p.Met198Val; replaces methionine 198 with valine.
Molecular consequence: missense variant.
Genome position (GRCh38, 1-based): chr9:134,701,271, A>G. VCF-style: chr9-134701271-A-G. GRCh37 (hg19) VCF-style: chr9-137593117-A-G.
Other names: c.592A>G, p.Met198Val (NM_001278074.1); short protein forms M198V.
Identifiers: ClinVar variation 863379 (VCV000863379.12), dbSNP rs1833664488, ClinGen allele CA375443416.
Genomic context (GRCh38, chr9:134,701,271, plus strand): 5'-ACCTTGATCCTCGACTGTAAAAAGAAGACCACCAAATTCCTCGACCGCAGCGACCACCCC[A>G]TGATCGACATCAATGGCATCATCGTGTTTGGCACCCGGATCCTGGATGAGGAGGTGTTTG-3'
Protein context (NP_000084.3, residues 188-208): TKFLDRSDHP[Met198Val]IDINGIIVFG